The following is an entry in ClinVar:

NM_001366521.1(ATP2B1):c.879T>C (p.Ala293=)

Gene: ATP2B1 (ATPase plasma membrane Ca2+ transporting 1; minus strand). Cytogenetic location: 12q21.33.
Variant type: single nucleotide variant.
Coding change: c.879T>C on transcript NM_001366521.1 (MANE Select); coding-DNA position 879, T replaced by C.
Protein change: p.Ala293=; no amino-acid change (alanine 293 retained).
Molecular consequence: synonymous variant. On other transcripts: non-coding transcript variant (3), intron variant (8).
Genome position (GRCh38, 1-based): chr12:89,630,554, A>G on the plus strand (T>C on the coding strand, the complement: ATP2B1 is on the minus strand). VCF-style: chr12-89630554-A-G. GRCh37 (hg19) VCF-style: chr12-90024331-A-G.
Other names: c.879T>C, p.Ala293= (NM_001001323.2, NM_001366520.1, NM_001366522.1 and 14 more transcripts); c.681T>C, p.Ala227= (NM_001366530.1, NM_001413053.1); c.624T>C, p.Ala208= (NM_001413056.1); c.426T>C, p.Ala142= (NM_001413057.1); c.407-3939T>C (NM_001413060.1, NM_001366531.1, NM_001413058.1 and 2 more transcripts); c.788-2838T>C (NM_001413051.1, NM_001413055.1, NM_001413052.1).
Identifiers: ClinVar variation 4978574 (VCV004978574.2).
Genomic context (GRCh38, chr12:89,630,554, plus strand): 5'-GTTATTCTTACTTTTCTTTTCCTTTTTCTTCTCATCTTTCTTCTCTTCCTCTTCACCTCC[A>G]GCTCCAAGTAAGGTAAAGATAATTCCAGTTTGAGAATTTACACCTACAGCTGTAACTACC-3'
Protein context (NP_001353450.1, residues 283-303): QTGIIFTLLG[Ala293=]GGEEEEKKDE

ClinVar aggregate classification (germline): Likely benign. Review status: criteria provided, multiple submitters, no conflicts (2 of 4 stars). 2 submissions from 2 submitters: Likely benign (2). Last evaluated 2026-09-01.

Conditions:
ATP2B1-related disorder. Also called: ATP2B1-related condition.

gnomAD v4.1: 241 of 1,596,894 alleles (0.015%); highest among the groups gnomAD compares: African/African-American, 0.29%; 1 homozygote.

Submissions (2):

CeGaT Center for Human Genetics Tuebingen
Classification: Likely benign. Last evaluated: 2026-09-01. Review status: criteria provided, single submitter. Criteria: CeGaT Center For Human Genetics Tuebingen Variant Classification Criteria Version 2. Collection method: clinical testing. Allele origin: germline. Affected: yes. Observed: 1 variant allele.
Comment: ATP2B1: BP4

PreventionGenetics, part of Exact Sciences
Classification: Likely benign for ATP2B1-related condition. Last evaluated: 2026-05-17. Review status: criteria provided, single submitter. Criteria: ACMG Guidelines, 2015. Collection method: clinical testing. Allele origin: germline.
Comment: This variant is classified as likely benign based on ACMG/AMP sequence variant interpretation guidelines (Richards et al. 2015 PMID: 25741868, with internal and published modifications).